The following is an entry in ClinVar:

ClinVar aggregate classification (germline): Uncertain significance. Review status: criteria provided, single submitter (1 of 4 stars). 4 submissions from 4 submitters: Uncertain significance (1). 3 of the submissions do not count toward it. Last evaluated 2023-05-04.

Conditions:
Hereditary cancer-predisposing syndrome. Also called: Tumor predisposition; Hereditary neoplastic syndrome; Neoplastic Syndromes, Hereditary; Hereditary Cancer Syndrome. Identifiers: Orphanet 140162, MedGen C0027672, MeSH D009386, MONDO:0015356.
Fanconi anemia (FA). Also called: Fanconi's anemia. Identifiers: Orphanet 84, MedGen C0015625, MeSH D005199, MONDO:0019391.
Fanconi anemia complementation group C (FANCC). Also called: Fanconi anemia, group C; FANCONI PANCYTOPENIA, TYPE 3; FACC; FANCC-Related Fanconi Anemia. Identifiers: Orphanet 84, MedGen C3468041, MONDO:0009213, OMIM 227645.

Allele frequency attached by ClinVar (database versions not stated): gnomAD exomes below 0.00001; ExAC 0.00001; 1000 Genomes Project 30x 0.00016; 1000 Genomes Project 0.00020.
gnomAD v4.1: 7 of 1,613,616 alleles (0.00043%); highest among the groups gnomAD compares: South Asian, 0.0066%; no homozygotes.

Submissions (4):

Ambry Genetics
Classification: Uncertain significance for Hereditary cancer-predisposing syndrome. Last evaluated: 2023-05-04. Review status: criteria provided, single submitter. Criteria: Ambry Variant Classification Scheme 2023. Collection method: clinical testing. Allele origin: germline.
Comment: The p.A72T variant (also known as c.214G>A), located in coding exon 2 of the FANCC gene, results from a G to A substitution at nucleotide position 214. The alanine at codon 72 is replaced by threonine, an amino acid with similar properties. This variant was identified in a cohort of 681 ancestrally diverse, healthy subjects (Bodian DL et al. PLoS ONE, 2014 Apr;9:e94554). This amino acid position is well conserved in available vertebrate species. In addition, this alteration is predicted to be tolerated by in silico analysis. Since supporting evidence is limited at this time, the clinical significance of this alteration remains unclear.

Natera, Inc.
Classification: Uncertain significance for Fanconi anemia. Last evaluated: 2021-07-06. Review status: no assertion criteria provided. Collection method: clinical testing. Allele origin: germline. Not counted in ClinVar's aggregate classification.

Counsyl
Classification: Uncertain significance for Fanconi anemia complementation group C. Last evaluated: 2017-07-25. Review status: no assertion criteria provided. Collection method: clinical testing. Allele origin: unknown. Not counted in ClinVar's aggregate classification.

ITMI
No classification provided. Condition: AllHighlyPenetrant. Last evaluated: 2013-09-19. Review status: no classification provided. Collection method: reference population. Allele origin: germline. Not counted in ClinVar's aggregate classification.
Comment: Please see associated publication for description of ethnicities

Literature cited by the submitters: PubMed 24728327 (cited by 3 submitters).

NM_000136.3(FANCC):c.214G>A (p.Ala72Thr)

Gene: FANCC (FA complementation group C; minus strand). Cytogenetic location: 9q22.32.
Variant type: single nucleotide variant.
Coding change: c.214G>A on transcript NM_000136.3 (MANE Select); coding-DNA position 214, G replaced by A.
Protein change: p.Ala72Thr; replaces alanine 72 with threonine.
Molecular consequence: missense variant.
Genome position (GRCh38, 1-based): chr9:95,247,468, C>T on the plus strand (G>A on the coding strand, the complement: FANCC is on the minus strand). VCF-style: chr9-95247468-C-T. GRCh37 (hg19) VCF-style: chr9-98009750-C-T.
Other names: c.214G>A, p.Ala72Thr (NM_001243743.2, NM_001243744.2); short protein forms A72T.
Identifiers: ClinVar variation 134302 (VCV000134302.8), dbSNP rs567465885, ClinGen allele CA159402.